The following is an entry in ClinVar:

ClinVar aggregate classification (germline): Uncertain significance (1 of 4 stars; one submission).

Allele frequency attached by ClinVar (database versions not stated): ExAC 0.00002; gnomAD 0.00001; TOPMed 0.00002; gnomAD exomes 0.00001.
gnomAD v4.1: 17 of 1,612,224 alleles (0.0011%); highest among the groups gnomAD compares: Admixed American, 0.013%; no homozygotes.

Submission:

Labcorp Genetics (formerly Invitae), Labcorp
Classification: Uncertain significance. Last evaluated: 2023-02-27. Review status: criteria provided, single submitter. Criteria: Invitae Variant Classification Sherloc (09022015). Collection method: clinical testing. Allele origin: germline.
Comment: In summary, the available evidence is currently insufficient to determine the role of this variant in disease. Therefore, it has been classified as a Variant of Uncertain Significance. An algorithm developed to predict the effect of missense changes on protein structure and function (PolyPhen-2) suggests that this variant is likely to be tolerated. ClinVar contains an entry for this variant (Variation ID: 2042900). This variant has not been reported in the literature in individuals affected with ERBIN-related conditions. This variant is present in population databases (rs201252946, gnomAD 0.003%). This sequence change replaces isoleucine, which is neutral and non-polar, with methionine, which is neutral and non-polar, at codon 771 of the ERBIN protein (p.Ile771Met).

NM_001253697.2(ERBIN):c.2313A>G (p.Ile771Met)

Gene: ERBIN (erbb2 interacting protein; plus strand). Cytogenetic location: 5q12.3.
Variant type: single nucleotide variant.
Coding change: c.2313A>G on transcript NM_001253697.2 (MANE Select); coding-DNA position 2313, A replaced by G.
Protein change: p.Ile771Met; replaces isoleucine 771 with methionine.
Molecular consequence: missense variant.
Genome position (GRCh38, 1-based): chr5:66,053,631, A>G. VCF-style: chr5-66053631-A-G. GRCh37 (hg19) VCF-style: chr5-65349459-A-G.
Other names: c.2313A>G, p.Ile771Met (NM_001006600.3, NM_001253698.2, NM_001253699.2 and 1 more transcripts); c.2301A>G, p.Ile767Met (NM_001253701.2); short protein forms I767M, I771M.
Identifiers: ClinVar variation 2042900 (VCV002042900.4), dbSNP rs201252946, ClinGen allele CA3286462.
Genomic context (GRCh38, chr5:66,053,631, plus strand): 5'-AGCCACAGCTGATGACACTCACAAATTAGATCATATCAATATGAATCTTAATAAACTTAT[A>G]ACTAATGATACATTTCAACCAGAGATCATGGAAAGATCAAAAACACAGGATATTGTGCTT-3'
Protein context (NP_001240626.1, residues 761-781): DHINMNLNKL[Ile771Met]TNDTFQPEIM